The following is an entry in ClinVar:

ClinVar aggregate classification (germline): Uncertain significance (1 of 4 stars; one submission).

Submission:

GeneDx
Classification: Uncertain significance. Last evaluated: 2025-04-14. Review status: criteria provided, single submitter. Criteria: GeneDx Variant Classification Process June 2021. Collection method: clinical testing. Allele origin: germline. Affected: yes.
Comment: Not observed at significant frequency in large population cohorts (gnomAD); In silico analysis indicates that this missense variant does not alter protein structure/function; Has not been previously published as pathogenic or benign to our knowledge

NM_001378974.1(FBXW11):c.22G>C (p.Glu8Gln)

Gene: FBXW11 (F-box and WD repeat domain containing 11; minus strand). Cytogenetic location: 5q35.1.
Variant type: single nucleotide variant.
Coding change: c.22G>C on transcript NM_001378974.1 (MANE Select); coding-DNA position 22, G replaced by C.
Protein change: p.Glu8Gln; replaces glutamic acid 8 with glutamine.
Molecular consequence: missense variant. On other transcripts: 5 prime UTR variant (4).
Genome position (GRCh38, 1-based): chr5:172,006,481, C>G on the plus strand (G>C on the coding strand, the complement: FBXW11 is on the minus strand). VCF-style: chr5-172006481-C-G. GRCh37 (hg19) VCF-style: chr5-171433485-C-G.
Other names: c.22G>C, p.Glu8Gln (NM_012300.3, NM_033644.3, NM_033645.3 and 2 more transcripts); c.-237G>C (NM_001378976.1, NM_001378979.1); c.-198G>C (NM_001378977.1); c.-166G>C (NM_001378978.1); short protein forms E8Q.
Identifiers: ClinVar variation 4281970 (VCV004281970.1).